The following is an entry in ClinVar:

ClinVar aggregate classification (germline): Pathogenic (1 of 4 stars; one submission).

Submission:

Labcorp Genetics (formerly Invitae), Labcorp
Classification: Pathogenic. Last evaluated: 2024-11-19. Review status: criteria provided, single submitter. Criteria: Invitae Variant Classification Sherloc (09022015). Collection method: clinical testing. Allele origin: germline.
Comment: This sequence change creates a premature translational stop signal (p.Trp419*) in the SPART gene. It is expected to result in an absent or disrupted protein product. Loss-of-function variants in SPART are known to be pathogenic (PMID: 18413476, 20437587, 20504295). This variant is not present in population databases (gnomAD no frequency). This variant has not been reported in the literature in individuals affected with SPART-related conditions. For these reasons, this variant has been classified as Pathogenic.

Literature cited by the submitters: PubMed 18413476; PubMed 20437587; PubMed 20504295.

NM_015087.5(SPART):c.1257G>A (p.Trp419Ter)

Gene: SPART (spartin; minus strand). Cytogenetic location: 13q13.3.
Variant type: single nucleotide variant.
Coding change: c.1257G>A on transcript NM_015087.5 (MANE Select); coding-DNA position 1257, G replaced by A.
Protein change: p.Trp419Ter; replaces tryptophan 419 with a stop codon.
Molecular consequence: nonsense.
Genome position (GRCh38, 1-based): chr13:36,326,606, C>T on the plus strand (G>A on the coding strand, the complement: SPART is on the minus strand). VCF-style: chr13-36326606-C-T. GRCh37 (hg19) VCF-style: chr13-36900743-C-T.
Other names: c.1257G>A, p.Trp419Ter (NM_001142294.2, NM_001142295.2, NM_001142296.2); short protein forms W419*.
Identifiers: ClinVar variation 3725614 (VCV003725614.2).